The following is an entry in ClinVar:

NM_000548.5(TSC2):c.1105C>A (p.Leu369Ile)

Gene: TSC2 (TSC complex subunit 2; plus strand). Cytogenetic location: 16p13.3.
Variant type: single nucleotide variant.
Coding change: c.1105C>A on transcript NM_000548.5 (MANE Select); coding-DNA position 1105, C replaced by A.
Protein change: p.Leu369Ile; replaces leucine 369 with isoleucine.
Molecular consequence: missense variant.
Genome position (GRCh38, 1-based): chr16:2,060,799, C>A. VCF-style: chr16-2060799-C-A. GRCh37 (hg19) VCF-style: chr16-2110800-C-A.
Other names: c.1105C>A, p.Leu369Ile (NM_001077183.3, NM_001114382.3, NM_001363528.2 and 3 more transcripts); c.994C>A, p.Leu332Ile (NM_001318827.2); c.958C>A, p.Leu320Ile (NM_001318829.2); c.505C>A, p.Leu169Ile (NM_001318831.2); c.1138C>A, p.Leu380Ile (NM_001318832.2); c.1105C>A (NM_000548.3); short protein forms L169I, L320I, L332I, L369I, L380I.
Identifiers: ClinVar variation 999848 (VCV000999848.9), dbSNP rs1195544121, ClinGen allele CA394318292.

ClinVar aggregate classification (germline): Uncertain significance. Review status: criteria provided, multiple submitters, no conflicts (2 of 4 stars). 2 submissions from 2 submitters: Uncertain significance (2). Last evaluated 2023-01-18.

Conditions:
Tuberous sclerosis 2 (TSC2). Identifiers: Orphanet 805, MedGen C1860707, MONDO:0013199, OMIM 613254.
Hereditary cancer-predisposing syndrome. Also called: Neoplastic Syndromes, Hereditary; Hereditary neoplastic syndrome; Hereditary Cancer Syndrome; Tumor predisposition. Identifiers: Orphanet 140162, MedGen C0027672, MeSH D009386, MONDO:0015356.

gnomAD v4.1: 16 of 1,613,662 alleles (0.00099%); highest among the groups gnomAD compares: Non-Finnish European, 0.0014%; no homozygotes.

Submissions (2):

Ambry Genetics
Classification: Uncertain significance for Hereditary cancer-predisposing syndrome. Last evaluated: 2023-01-18. Review status: criteria provided, single submitter. Criteria: Ambry Variant Classification Scheme 2023. Collection method: clinical testing. Allele origin: germline.
Comment: The p.L369I variant (also known as c.1105C>A), located in coding exon 10 of the TSC2 gene, results from a C to A substitution at nucleotide position 1105. The leucine at codon 369 is replaced by isoleucine, an amino acid with highly similar properties. This amino acid position is conserved. In addition, the in silico prediction for this alteration is inconclusive. Since supporting evidence is limited at this time, the clinical significance of this alteration remains unclear.

Labcorp Genetics (formerly Invitae), Labcorp
Classification: Uncertain significance for Tuberous sclerosis 2. Last evaluated: 2021-10-15. Review status: criteria provided, single submitter. Criteria: Invitae Variant Classification Sherloc (09022015). Collection method: clinical testing. Allele origin: germline.
Comment: In summary, the available evidence is currently insufficient to determine the role of this variant in disease. Therefore, it has been classified as a Variant of Uncertain Significance. Algorithms developed to predict the effect of missense changes on protein structure and function are either unavailable or do not agree on the potential impact of this missense change (SIFT: "Tolerated"; PolyPhen-2: "Possibly Damaging"; Align-GVGD: "Class C0"). This variant has not been reported in the literature in individuals affected with TSC2-related conditions. This variant is not present in population databases (ExAC no frequency). This sequence change replaces leucine with isoleucine at codon 369 of the TSC2 protein (p.Leu369Ile). The leucine residue is highly conserved and there is a small physicochemical difference between leucine and isoleucine.